The following is an entry in ClinVar:

NM_015662.3(IFT172):c.2408C>T (p.Thr803Ile)

Gene: IFT172 (intraflagellar transport 172; minus strand). Cytogenetic location: 2p23.3.
Variant type: single nucleotide variant.
Coding change: c.2408C>T on transcript NM_015662.3 (MANE Select); coding-DNA position 2408, C replaced by T.
Protein change: p.Thr803Ile; replaces threonine 803 with isoleucine.
Molecular consequence: missense variant.
Genome position (GRCh38, 1-based): chr2:27,461,303, G>A on the plus strand (C>T on the coding strand, the complement: IFT172 is on the minus strand). VCF-style: chr2-27461303-G-A. GRCh37 (hg19) VCF-style: chr2-27684170-G-A.
Other names: c.2342C>T, p.Thr781Ile (NM_001410739.1); c.2408C>T (NM_015662.1); short protein forms T803I, T781I.
Identifiers: ClinVar variation 1897617 (VCV001897617.4), dbSNP rs1305821240, ClinGen allele CA346384008.

ClinVar aggregate classification (germline): Uncertain significance. Review status: criteria provided, multiple submitters, no conflicts (2 of 4 stars). 2 submissions from 2 submitters: Uncertain significance (2). Last evaluated 2025-08-05.

Conditions:
Short-rib thoracic dysplasia 10 with or without polydactyly (SRTD10). Identifiers: Orphanet 474, MedGen C3810175, MONDO:0014284, OMIM 615630.
Retinitis pigmentosa 71 (RP71). Identifiers: Orphanet 791, MedGen C4225342, MONDO:0014618, OMIM 616394.
Inborn genetic diseases. Identifiers: MedGen C0950123, MeSH D030342.

Allele frequency attached by ClinVar (database versions not stated): gnomAD exomes 0.00001.
gnomAD v4.1: 3 of 1,614,186 alleles (0.00019%); highest among the groups gnomAD compares: Non-Finnish European, 0.00025%; no homozygotes.

Submissions (2):

Ambry Genetics
Classification: Uncertain significance for Inborn genetic diseases. Last evaluated: 2025-08-05. Review status: criteria provided, single submitter. Criteria: Ambry Variant Classification Scheme 2023. Collection method: clinical testing. Allele origin: germline.

Labcorp Genetics (formerly Invitae), Labcorp
Classification: Uncertain significance for Retinitis pigmentosa 71; Short-rib thoracic dysplasia 10 with or without polydactyly. Last evaluated: 2022-11-08. Review status: criteria provided, single submitter. Criteria: Invitae Variant Classification Sherloc (09022015). Collection method: clinical testing. Allele origin: germline.
Comment: In summary, the available evidence is currently insufficient to determine the role of this variant in disease. Therefore, it has been classified as a Variant of Uncertain Significance. Advanced modeling of protein sequence and biophysical properties (such as structural, functional, and spatial information, amino acid conservation, physicochemical variation, residue mobility, and thermodynamic stability) performed at Invitae indicates that this missense variant is not expected to disrupt IFT172 protein function. This variant has not been reported in the literature in individuals affected with IFT172-related conditions. This variant is present in population databases (no rsID available, gnomAD 0.0009%). This sequence change replaces threonine, which is neutral and polar, with isoleucine, which is neutral and non-polar, at codon 803 of the IFT172 protein (p.Thr803Ile).